The following is an entry in ClinVar:

ClinVar aggregate classification (germline): Uncertain significance (1 of 4 stars; one submission).

Submission:

Labcorp Genetics (formerly Invitae), Labcorp
Classification: Uncertain significance. Last evaluated: 2024-09-15. Review status: criteria provided, single submitter. Criteria: Invitae Variant Classification Sherloc (09022015). Collection method: clinical testing. Allele origin: germline.
Comment: This sequence change replaces glutamic acid, which is acidic and polar, with glutamine, which is neutral and polar, at codon 252 of the AP3D1 protein (p.Glu252Gln). This variant is not present in population databases (gnomAD no frequency). This variant has not been reported in the literature in individuals affected with AP3D1-related conditions. An algorithm developed to predict the effect of missense changes on protein structure and function (PolyPhen-2) suggests that this variant is likely to be disruptive. In summary, the available evidence is currently insufficient to determine the role of this variant in disease. Therefore, it has been classified as a Variant of Uncertain Significance.

NM_001261826.3(AP3D1):c.754G>C (p.Glu252Gln)

Gene: AP3D1 (adaptor related protein complex 3 subunit delta 1; minus strand). Cytogenetic location: 19p13.3.
Variant type: single nucleotide variant.
Coding change: c.754G>C on transcript NM_001261826.3 (MANE Select); coding-DNA position 754, G replaced by C.
Protein change: p.Glu252Gln; replaces glutamic acid 252 with glutamine.
Molecular consequence: missense variant.
Genome position (GRCh38, 1-based): chr19:2,129,142, C>G on the plus strand (G>C on the coding strand, the complement: AP3D1 is on the minus strand). VCF-style: chr19-2129142-C-G. GRCh37 (hg19) VCF-style: chr19-2129141-C-G.
Other names: c.754G>C, p.Glu252Gln (NM_001374799.1, NM_003938.8); short protein forms E252Q.
Identifiers: ClinVar variation 3717436 (VCV003717436.2).